The following is an entry in ClinVar:

NM_001165963.4(SCN1A):c.1226T>C (p.Leu409Ser)

Gene: SCN1A (sodium voltage-gated channel alpha subunit 1; minus strand). Cytogenetic location: 2q24.3.
Variant type: single nucleotide variant.
Coding change: c.1226T>C on transcript NM_001165963.4 (MANE Select); coding-DNA position 1226, T replaced by C.
Protein change: p.Leu409Ser; replaces leucine 409 with serine.
Molecular consequence: missense variant. On other transcripts: 5 prime UTR variant (1), non-coding transcript variant (1).
Genome position (GRCh38, 1-based): chr2:166,046,921, A>G on the plus strand (T>C on the coding strand, the complement: SCN1A is on the minus strand). VCF-style: chr2-166046921-A-G. GRCh37 (hg19) VCF-style: chr2-166903431-A-G.
Other names: c.1226T>C, p.Leu409Ser (NM_001353954.2, NM_001353955.2, NM_001353957.2 and 10 more transcripts); c.-1200T>C (NM_001353961.2); short protein forms L409S.
Identifiers: ClinVar variation 4534655 (VCV004534655.7).

ClinVar aggregate classification (germline): Uncertain significance. Review status: criteria provided, multiple submitters, no conflicts (2 of 4 stars). 2 submissions from 2 submitters: Uncertain significance (2). Last evaluated 2025-11-01.

gnomAD v4.1: 2 of 1,614,018 alleles (0.00012%); highest among the groups gnomAD compares: Non-Finnish European, 0.00017%; no homozygotes.

Submissions (2):

CeGaT Center for Human Genetics Tuebingen
Classification: Uncertain significance. Last evaluated: 2025-11-01. Review status: criteria provided, single submitter. Criteria: CeGaT Center For Human Genetics Tuebingen Variant Classification Criteria Version 2. Collection method: clinical testing. Allele origin: germline. Affected: yes. Observed: 1 variant allele.
Comment: SCN1A: PM2, PM5:Supporting, PP2, PP3

Blueprint Genetics
Classification: Uncertain significance. Last evaluated: 2020-12-11. Review status: criteria provided, single submitter. Criteria: ACMG Guidelines, 2015. Collection method: clinical testing. Allele origin: germline.